The following is an entry in ClinVar:

NM_001375567.1(FOCAD):c.3335A>C (p.Glu1112Ala)

Gene: FOCAD (focadhesin; plus strand). Cytogenetic location: 9p21.3.
Variant type: single nucleotide variant.
Coding change: c.3335A>C on transcript NM_001375567.1 (MANE Select); coding-DNA position 3335, A replaced by C.
Protein change: p.Glu1112Ala; replaces glutamic acid 1112 with alanine.
Molecular consequence: missense variant.
Genome position (GRCh38, 1-based): chr9:20,933,031, A>C. VCF-style: chr9-20933031-A-C. GRCh37 (hg19) VCF-style: chr9-20933030-A-C.
Other names: c.3230A>C, p.Glu1077Ala (NM_001375568.1, NM_001375570.1); c.3335A>C, p.Glu1112Ala (NM_017794.5); short protein forms E1112A, E1077A.
Identifiers: ClinVar variation 769750 (VCV000769750.13), dbSNP rs147046649, ClinGen allele CA5007510.

ClinVar aggregate classification (germline): Benign. Review status: criteria provided, multiple submitters, no conflicts (2 of 4 stars). 4 submissions from 4 submitters: Benign (3). 1 of the submissions does not count toward it. Last evaluated 2026-01-27.

Conditions:
FOCAD-related disorder. Also called: FOCAD-related condition.

Allele frequency attached by ClinVar (database versions not stated): gnomAD 0.00686 and 0.00661; TOPMed 0.00960; gnomAD exomes 0.01059 and 0.00398; ExAC 0.00756; 1000 Genomes Project 0.00879; ESP Exome Variant Server 0.00154; 1000 Genomes Project 30x 0.00984.
gnomAD v4.1: 6,836 of 1,613,750 alleles (0.42%); highest among the groups gnomAD compares: Admixed American, 5.4%; 130 homozygotes.

Submissions (4):

Labcorp Genetics (formerly Invitae), Labcorp
Classification: Benign. Last evaluated: 2026-01-27. Review status: criteria provided, single submitter. Criteria: Invitae Variant Classification Sherloc (09022015). Collection method: clinical testing. Allele origin: germline.

GeneDx
Classification: Benign. Last evaluated: 2019-06-21. Review status: criteria provided, single submitter. Criteria: GeneDx Variant Classification Process June 2021. Collection method: clinical testing. Allele origin: germline. Affected: yes.

Breakthrough Genomics
Classification: Benign. Review status: criteria provided, single submitter. Criteria: ACMG Guidelines, 2015. Collection method: not provided. Allele origin: germline. Inheritance: Autosomal recessive inheritance. Affected: yes.

PreventionGenetics, part of Exact Sciences
Classification: Benign for FOCAD-related condition. Last evaluated: 2019-10-18. Review status: no assertion criteria provided. Collection method: clinical testing. Allele origin: germline. Not counted in ClinVar's aggregate classification.
Comment: This variant is classified as benign based on ACMG/AMP sequence variant interpretation guidelines (Richards et al. 2015 PMID: 25741868, with internal and published modifications).